The following is an entry in ClinVar:

NC_000022.10:g.(?_18900293)_(18923807_?)del

Gene: PRODH (proline dehydrogenase 1; minus strand). Cytogenetic location: 22q11.21.
Variant type: Deletion.
Identifiers: ClinVar variation 2682549 (VCV002682549.1).

ClinVar aggregate classification (germline): Pathogenic (1 of 4 stars; one submission).

Conditions:
Proline dehydrogenase deficiency (HYRPRO1). Also called: PROLINE OXIDASE DEFICIENCY; Hyperprolinemia type 1. Identifiers: Orphanet 419, MedGen C0268529, MONDO:0009400, OMIM 239500.

Submission:

Women's Health and Genetics/Laboratory Corporation of America, LabCorp
Classification: Pathogenic for Proline dehydrogenase deficiency. Last evaluated: 2023-11-15. Review status: criteria provided, single submitter. Criteria: LabCorp Variant Classification Summary - May 2015. Collection method: clinical testing. Allele origin: germline.
Comment: Variant summary: The variant involves the deletion of exons 1-14 of the PRODH gene. A presumed nomenclature of c.(?_-7)_(*395_?)del has been designated for the purposes of this classification. This deletion includes the entire coding sequence of the gene. As the exact proximal and distal breakpoints are unknown, it may extend beyond the annotated region of the gene to include other flanking genes. A large deletion variant which encompasses the entire gene was found at a frequency of 0.0021 in 125172 control chromosomes in the gnomAD database (Structural Variants dataset v4.0), including 1 homozygote. A similar large deletion variant has been reported in the literature in individuals affected with Proline Dehydrogenase Deficiency (e.g. Jacquet_2002). To our knowledge, no experimental evidence demonstrating an impact on protein function has been reported. At least one submitter has provided clinical-significance assessments for this variant in ClinVar after 2014 and classified the variant as pathogenic. Based on the evidence outlined above, the variant was classified as pathogenic.

Literature cited by the submitters: PubMed 12217952.